The following is an entry in ClinVar:

ClinVar aggregate classification (germline): Uncertain significance (1 of 4 stars; one submission).

Submission:

Athena Diagnostics
Classification: Uncertain significance. Last evaluated: 2023-03-01. Review status: criteria provided, single submitter. Criteria: Athena Diagnostics Criteria. Collection method: clinical testing. Allele origin: unknown.
Comment: Available data are insufficient to determine the clinical significance of the variant at this time. This variant has not been reported in large, multi-ethnic general populations. Computational tools yielded predictions that this variant is unlikely to have an effect on normal RNA splicing.

NM_182961.4(SYNE1):c.9528G>A (p.Lys3176=)

Gene: SYNE1 (spectrin repeat containing nuclear envelope protein 1; minus strand). Cytogenetic location: 6q25.2.
Variant type: single nucleotide variant.
Coding change: c.9528G>A on transcript NM_182961.4 (MANE Select); coding-DNA position 9528, G replaced by A.
Protein change: p.Lys3176=; no amino-acid change (lysine 3176 retained).
Molecular consequence: synonymous variant.
Genome position (GRCh38, 1-based): chr6:152,369,594, C>T on the plus strand (G>A on the coding strand, the complement: SYNE1 is on the minus strand). VCF-style: chr6-152369594-C-T. GRCh37 (hg19) VCF-style: chr6-152690729-C-T.
Other names: c.9549G>A, p.Lys3183= (NM_033071.5).
Identifiers: ClinVar variation 2684068 (VCV002684068.1), dbSNP rs2154085867, ClinGen allele CA452761932.